The following is an entry in ClinVar:

ClinVar aggregate classification (germline): Conflicting classifications of pathogenicity. Review status: criteria provided, conflicting classifications (1 of 4 stars). 2 submissions from 2 submitters: Uncertain significance (1); Likely benign (1). Last evaluated 2024-03-08.

Conditions:
Inborn genetic diseases. Identifiers: MedGen C0950123, MeSH D030342.

Allele frequency attached by ClinVar (database versions not stated): TOPMed 0.00001.
gnomAD v4.1: 28 of 1,575,754 alleles (0.0018%); highest among the groups gnomAD compares: Admixed American, 0.042%; no homozygotes.

Submissions (2):

Ambry Genetics
Classification: Likely benign for Inborn genetic diseases. Last evaluated: 2024-03-08. Review status: criteria provided, single submitter. Criteria: Ambry Variant Classification Scheme 2023. Collection method: clinical testing. Allele origin: germline.

Labcorp Genetics (formerly Invitae), Labcorp
Classification: Uncertain significance. Last evaluated: 2023-08-24. Review status: criteria provided, single submitter. Criteria: Invitae Variant Classification Sherloc (09022015). Collection method: clinical testing. Allele origin: germline.
Comment: In summary, the available evidence is currently insufficient to determine the role of this variant in disease. Therefore, it has been classified as a Variant of Uncertain Significance. An algorithm developed to predict the effect of missense changes on protein structure and function (PolyPhen-2) suggests that this variant¬†is likely to be tolerated. ClinVar contains an entry for this variant (Variation ID: 1040369). This variant has not been reported in the literature in individuals affected with TUBGCP6-related conditions. This variant is present in population databases (rs755040883, gnomAD 0.06%). This sequence change replaces valine, which is neutral and non-polar, with leucine, which is neutral and non-polar, at codon 1350 of the TUBGCP6 protein (p.Val1350Leu).

NM_020461.4(TUBGCP6):c.4048G>T (p.Val1350Leu)

Gene: TUBGCP6 (tubulin gamma complex component 6; minus strand). Cytogenetic location: 22q13.33.
Variant type: single nucleotide variant.
Coding change: c.4048G>T on transcript NM_020461.4 (MANE Select); coding-DNA position 4048, G replaced by T.
Protein change: p.Val1350Leu; replaces valine 1350 with leucine.
Molecular consequence: missense variant.
Genome position (GRCh38, 1-based): chr22:50,220,311, C>A on the plus strand (G>T on the coding strand, the complement: TUBGCP6 is on the minus strand). VCF-style: chr22-50220311-C-A. GRCh37 (hg19) VCF-style: chr22-50658740-C-A.
Other names: c.4048G>T (NM_020461.3); short protein forms V1350L.
Identifiers: ClinVar variation 1040369 (VCV001040369.7), dbSNP rs755040883, ClinGen allele CA10307743.